The following is an entry in ClinVar:

ClinVar aggregate classification (germline): Uncertain significance. Review status: criteria provided, multiple submitters, no conflicts (2 of 4 stars). 3 submissions from 3 submitters: Uncertain significance (3). Last evaluated 2024-12-12.

Conditions:
Hereditary cancer-predisposing syndrome. Also called: Tumor predisposition; Neoplastic Syndromes, Hereditary; Hereditary neoplastic syndrome; Hereditary Cancer Syndrome. Identifiers: Orphanet 140162, MedGen C0027672, MeSH D009386, MONDO:0015356.
Familial cancer of breast. Also called: Hereditary breast cancer; BREAST CANCER, FAMILIAL; hereditary breast carcinoma. Identifiers: Orphanet 227535, MedGen C0346153, MONDO:0016419, OMIM 114480. Disease mechanism: loss of function.

Allele frequency attached by ClinVar (database versions not stated): gnomAD exomes below 0.00001.
gnomAD v4.1: 1 of 1,606,184 alleles (0.000062%); highest among the groups gnomAD compares: East Asian, 0.0022%; no homozygotes.

Submissions (3):

Ambry Genetics
Classification: Uncertain significance for Hereditary cancer-predisposing syndrome. Last evaluated: 2024-12-12. Review status: criteria provided, single submitter. Criteria: Ambry Variant Classification Scheme 2023. Collection method: clinical testing. Allele origin: germline.
Comment: The p.I1037V variant (also known as c.3109A>G), located in coding exon 10 of the PALB2 gene, results from an A to G substitution at nucleotide position 3109. The isoleucine at codon 1037 is replaced by valine, an amino acid with highly similar properties. This amino acid position is conserved. In addition, this alteration is predicted to be tolerated by in silico analysis. Based on the available evidence, the clinical significance of this variant remains unclear.

Color Diagnostics, LLC DBA Color Health
Classification: Uncertain significance for Hereditary cancer-predisposing syndrome. Last evaluated: 2024-06-12. Review status: criteria provided, single submitter. Criteria: ACMG Guidelines, 2015. Collection method: clinical testing. Allele origin: germline.
Comment: This missense variant replaces isoleucine with valine at codon 1037 of the PALB2 protein. Computational prediction suggests that this variant may not impact protein structure and function (internally defined REVEL score threshold <= 0.5, PMID: 27666373). To our knowledge, functional studies have not been reported for this variant. This variant has not been reported in individuals affected with PALB2-related disorders in the literature. This variant has not been identified in the general population by the Genome Aggregation Database (gnomAD). The available evidence is insufficient to determine the role of this variant in disease conclusively. Therefore, this variant is classified as a Variant of Uncertain Significance.

Labcorp Genetics (formerly Invitae), Labcorp
Classification: Uncertain significance for Familial cancer of breast. Last evaluated: 2023-04-08. Review status: criteria provided, single submitter. Criteria: Invitae Variant Classification Sherloc (09022015). Collection method: clinical testing. Allele origin: germline.
Comment: ClinVar contains an entry for this variant (Variation ID: 1018016). This variant has not been reported in the literature in individuals affected with PALB2-related conditions. This variant is not present in population databases (gnomAD no frequency). This sequence change replaces isoleucine, which is neutral and non-polar, with valine, which is neutral and non-polar, at codon 1037 of the PALB2 protein (p.Ile1037Val). Advanced modeling of protein sequence and biophysical properties (such as structural, functional, and spatial information, amino acid conservation, physicochemical variation, residue mobility, and thermodynamic stability) performed at Invitae indicates that this missense variant is not expected to disrupt PALB2 protein function. In summary, the available evidence is currently insufficient to determine the role of this variant in disease. Therefore, it has been classified as a Variant of Uncertain Significance.

NM_024675.4(PALB2):c.3109A>G (p.Ile1037Val)

Gene: PALB2 (partner and localizer of BRCA2; minus strand). Cytogenetic location: 16p12.2.
Variant type: single nucleotide variant.
Coding change: c.3109A>G on transcript NM_024675.4 (MANE Select); coding-DNA position 3109, A replaced by G.
Protein change: p.Ile1037Val; replaces isoleucine 1037 with valine.
Molecular consequence: missense variant.
Genome position (GRCh38, 1-based): chr16:23,621,366, T>C on the plus strand (A>G on the coding strand, the complement: PALB2 is on the minus strand). VCF-style: chr16-23621366-T-C. GRCh37 (hg19) VCF-style: chr16-23632687-T-C.
Other names: c.3109A>G (NM_024675.3); short protein forms I1037V.
Identifiers: ClinVar variation 1018016 (VCV001018016.11), dbSNP rs1966767854, ClinGen allele CA395142775.
Genomic context (GRCh38, chr16:23,621,366, plus strand): 5'-GAGGTATATCCTCATACTACAGATGAGGGAACTGAGGACCTAGAGGGAAAGCTTACCAAA[T>C]AACAATGTTGTTCATAATAGTAGTACCAAGCAGAGCTTCTTGCATCCCTTGGACCTCAGC-3'
Protein context (NP_078951.2, residues 1027-1047): LGTTIMNNIV[Ile1037Val]WNLKTGQLLK